The following is an entry in ClinVar:

NM_000179.3(MSH6):c.2129T>C (p.Ile710Thr)

Gene: MSH6 (mutS homolog 6; plus strand). Cytogenetic location: 2p16.3.
Variant type: single nucleotide variant.
Coding change: c.2129T>C on transcript NM_000179.3 (MANE Select); coding-DNA position 2129, T replaced by C.
Protein change: p.Ile710Thr; replaces isoleucine 710 with threonine.
Molecular consequence: missense variant. On other transcripts: non-coding transcript variant (5), intron variant (2).
Genome position (GRCh38, 1-based): chr2:47,800,112, T>C. VCF-style: chr2-47800112-T-C. GRCh37 (hg19) VCF-style: chr2-48027251-T-C.
Other names: c.1739T>C, p.Ile580Thr (NM_001281492.2); c.1223T>C, p.Ile408Thr (NM_001281493.2, NM_001281494.2, NM_001406811.1 and 6 more transcripts); c.2225T>C, p.Ile742Thr (NM_001406795.1, NM_001406802.1); c.1832T>C, p.Ile611Thr (NM_001406805.1, NM_001406824.1, NM_001406825.1 and 10 more transcripts); c.1604T>C, p.Ile535Thr (NM_001406806.1, NM_001406807.1, NM_001406799.1); c.2129T>C, p.Ile710Thr (NM_001406808.1, NM_001406809.1, NM_001406796.1 and 3 more transcripts); c.2135T>C, p.Ile712Thr (NM_001406813.1); c.1961T>C, p.Ile654Thr (NM_001406826.1); and 3 more; short protein forms I408T, I535T, I580T, I611T, I654T, I684T, I710T, I712T.
Identifiers: ClinVar variation 4759150 (VCV004759150.3).

ClinVar aggregate classification (germline): Conflicting classifications of pathogenicity. Review status: criteria provided, conflicting classifications (1 of 4 stars). 3 submissions from 3 submitters: Uncertain significance (2); Likely benign (1). Last evaluated 2026-07-02.

Conditions:
Hereditary nonpolyposis colorectal neoplasms. Identifiers: MedGen C0009405, MeSH D003123.
Hereditary cancer-predisposing syndrome. Also called: Hereditary Cancer Syndrome; Hereditary neoplastic syndrome; Neoplastic Syndromes, Hereditary; Tumor predisposition. Identifiers: Orphanet 140162, MedGen C0027672, MeSH D009386, MONDO:0015356.

gnomAD v4.1: 2 of 1,614,186 alleles (0.00012%); highest among the groups gnomAD compares: East Asian, 0.0022%; no homozygotes.

Submissions (3):

Ambry Genetics
Classification: Uncertain significance for Hereditary cancer-predisposing syndrome. Last evaluated: 2026-07-02. Review status: criteria provided, single submitter. Criteria: Ambry Variant Classification Scheme 2023. Collection method: clinical testing. Allele origin: germline.
Comment: The p.I710T variant (also known as c.2129T>C), located in coding exon 4 of the MSH6 gene, results from a T to C substitution at nucleotide position 2129. The isoleucine at codon 710 is replaced by threonine, an amino acid with similar properties. This amino acid position is conserved. In addition, this alteration is predicted to be tolerated by in silico analysis. Based on the available evidence, the clinical significance of this variant remains unclear.

Labcorp Genetics (formerly Invitae), Labcorp
Classification: Likely benign for Hereditary nonpolyposis colorectal neoplasms. Last evaluated: 2025-11-25. Review status: criteria provided, single submitter. Criteria: Invitae Variant Classification Sherloc (09022015). Collection method: clinical testing. Allele origin: germline.

Color Diagnostics, LLC DBA Color Health
Classification: Uncertain significance for Hereditary cancer-predisposing syndrome. Last evaluated: 2025-08-07. Review status: criteria provided, single submitter. Criteria: ACMG Guidelines, 2015. Collection method: clinical testing. Allele origin: germline.
Comment: This missense variant replaces isoleucine with threonine at codon 710 of the MSH6 protein. Computational prediction suggests that this variant may not impact protein structure and function. To our knowledge, functional studies have not been reported for this variant. This variant has not been reported in individuals affected with MSH6-related disorders in the literature. This variant has been identified in 1/250868 chromosomes in the general population by the Genome Aggregation Database (gnomAD). The available evidence is insufficient to determine the role of this variant in disease conclusively. Therefore, this variant is classified as a Variant of Uncertain Significance.